The following is an entry in ClinVar:

NM_000218.3(KCNQ1):c.317T>A (p.Val106Asp)

Gene: KCNQ1 (potassium voltage-gated channel subfamily Q member 1; plus strand). Cytogenetic location: 11p15.5.
Variant type: single nucleotide variant.
Coding change: c.317T>A on transcript NM_000218.3 (MANE Select); coding-DNA position 317, T replaced by A.
Protein change: p.Val106Asp; replaces valine 106 with aspartic acid.
Molecular consequence: missense variant.
Genome position (GRCh38, 1-based): chr11:2,445,415, T>A. VCF-style: chr11-2445415-T-A. GRCh37 (hg19) VCF-style: chr11-2466645-T-A.
Other names: short protein forms V106D.
Identifiers: ClinVar variation 573930 (VCV000573930.1), dbSNP rs1565023268, ClinGen allele CA379117431.

ClinVar aggregate classification (germline): Uncertain significance (1 of 4 stars; one submission).

Conditions:
Long QT syndrome (LQTS). Identifiers: MedGen C0023976, MeSH D008133, MONDO:0002442. Disease mechanism: loss of function. Inheritance: Various modes of inheritance.

Submission:

Labcorp Genetics (formerly Invitae), Labcorp
Classification: Uncertain significance for Long QT syndrome. Last evaluated: 2018-04-12. Review status: criteria provided, single submitter. Criteria: Invitae Variant Classification Sherloc (09022015). Collection method: clinical testing. Allele origin: germline.
Comment: This sequence change replaces valine with aspartic acid at codon 106 of the KCNQ1 protein (p.Val106Asp). The valine residue is weakly conserved and there is a large physicochemical difference between valine and aspartic acid. This variant is not present in population databases (ExAC no frequency). This variant has not been reported in the literature in individuals with KCNQ1-related disease. Algorithms developed to predict the effect of missense changes on protein structure and function do not agree on the potential impact of this missense change (SIFT: "Deleterious"; PolyPhen-2: "Benign"; Align-GVGD: "Class C35"). In summary, the available evidence is currently insufficient to determine the role of this variant in disease. Therefore, it has been classified as a Variant of Uncertain Significance.